The following is an entry in ClinVar:

ClinVar aggregate classification (germline): Likely pathogenic. Review status: criteria provided, multiple submitters, no conflicts (2 of 4 stars). 2 submissions from 2 submitters: Likely pathogenic (2). Last evaluated 2024-09-23.

Conditions:
Cardiovascular phenotype. Identifiers: MedGen CN230736.
Hereditary cancer-predisposing syndrome. Also called: Neoplastic Syndromes, Hereditary; Tumor predisposition; Hereditary Cancer Syndrome; Hereditary neoplastic syndrome. Identifiers: Orphanet 140162, MedGen C0027672, MeSH D009386, MONDO:0015356.

gnomAD v4.1: 2 of 1,597,408 alleles (0.00013%); highest among the groups gnomAD compares: Non-Finnish European, 0.00017%; no homozygotes.

Submissions (2):

Ambry Genetics
Classification: Likely pathogenic for Cardiovascular phenotype; Hereditary cancer-predisposing syndrome. Last evaluated: 2024-09-23. Review status: criteria provided, single submitter. Criteria: Ambry Variant Classification Scheme 2023. Collection method: clinical testing. Allele origin: germline.
Comment: The c.1615+1G>A intronic variant results from a G to A substitution one nucleotide after coding exon 14 of the LZTR1 gene. This variant is considered to be rare based on population cohorts in the Genome Aggregation Database (gnomAD). This nucleotide position is highly conserved in available vertebrate species. In silico splice site analysis predicts that this alteration will weaken the native splice donor site and will result in the creation or strengthening of a novel splice donor site; however, direct evidence is insufficient at this time (Ambry internal data). Alterations that disrupt the canonical splice site are expected to cause aberrant splicing, resulting in an abnormal protein or a transcript that is subject to nonsense-mediated mRNA decay. Loss-of-function variants in LZTR1 are related to an increased risk for schwannomas and autosomal recessive Noonan syndrome; however, such associations with autosomal dominant Noonan syndrome have not been observed (Piotrowski A et al. Nat Genet. 2014 Feb;46:182-7; Yamamoto GL et al. J Med Genet. 2015 Jun;52:413-21; Johnston JJ et al. Genet Med. 2018 10;20:1175-1185). Based on the supporting evidence, this variant is likely pathogenic for an increased risk of LZTR1-related schwannomatosis (SWN) and would be expected to cause autosomal recessive Noonan syndrome when present along with a second pathogenic or likely pathogenic variant on the other allele; however, the association of this alteration with autosomal dominant Noonan syndrome is unlikely.

Labcorp Genetics (formerly Invitae), Labcorp
Classification: Likely pathogenic. Last evaluated: 2024-05-31. Review status: criteria provided, single submitter. Criteria: Invitae Variant Classification Sherloc (09022015). Collection method: clinical testing. Allele origin: germline.
Comment: This sequence change affects a donor splice site in intron 14 of the LZTR1 gene. It is expected to disrupt RNA splicing. Variants that disrupt the donor or acceptor splice site typically lead to a loss of protein function (PMID: 16199547), and loss-of-function variants in LZTR1 are known to be pathogenic (PMID: 24362817, 25335493, 25480913, 25795793, 29469822, 30368668, 30442762, 30442766, 30481304, 30859559). This variant is not present in population databases (gnomAD no frequency). This variant has not been reported in the literature in individuals affected with LZTR1-related conditions. ClinVar contains an entry for this variant (Variation ID: 1776468). Algorithms developed to predict the effect of sequence changes on RNA splicing suggest that this variant may disrupt the consensus splice site. In summary, the currently available evidence indicates that the variant is pathogenic, but additional data are needed to prove that conclusively. Therefore, this variant has been classified as Likely Pathogenic.

Literature cited by the submitters: PubMed 16199547 (cited by Labcorp Genetics (formerly Invitae), Labcorp); PubMed 24362817 (cited by Labcorp Genetics (formerly Invitae), Labcorp); PubMed 25335493 (cited by Labcorp Genetics (formerly Invitae), Labcorp); PubMed 25480913 (cited by Labcorp Genetics (formerly Invitae), Labcorp); PubMed 25795793 (cited by Labcorp Genetics (formerly Invitae), Labcorp); PubMed 29469822 (cited by Labcorp Genetics (formerly Invitae), Labcorp); PubMed 30368668 (cited by Labcorp Genetics (formerly Invitae), Labcorp); PubMed 30442762 (cited by Labcorp Genetics (formerly Invitae), Labcorp); PubMed 30442766 (cited by Labcorp Genetics (formerly Invitae), Labcorp); PubMed 30481304 (cited by Labcorp Genetics (formerly Invitae), Labcorp); PubMed 30859559 (cited by Labcorp Genetics (formerly Invitae), Labcorp).

NM_006767.4(LZTR1):c.1615+1G>A

Gene: LZTR1 (leucine zipper like post translational regulator 1; plus strand). Cytogenetic location: 22q11.21.
Variant type: single nucleotide variant.
Coding change: c.1615+1G>A on transcript NM_006767.4 (MANE Select); the canonical splice donor site of the intron after coding-DNA position 1615, G replaced by A.
Molecular consequence: splice donor variant.
Genome position (GRCh38, 1-based): chr22:20,994,270, G>A. VCF-style: chr22-20994270-G-A. GRCh37 (hg19) VCF-style: chr22-21348559-G-A.
Identifiers: ClinVar variation 1776468 (VCV001776468.5), dbSNP rs1381717741, ClinGen allele CA410776296.